The following continues an entry in ClinVar:

NM_000256.3(MYBPC3):c.3190+5G>A

Gene: MYBPC3. ClinVar aggregate classification (germline): Pathogenic/Likely pathogenic. Pathogenic (15); Likely pathogenic (5).

Submissions 9 to 21 of 21:

Women's Health and Genetics/Laboratory Corporation of America, LabCorp
Classification: Pathogenic for Primary familial hypertrophic cardiomyopathy. Last evaluated: 2024-02-29. Review status: criteria provided, single submitter. Criteria: LabCorp Variant Classification Summary - May 2015. Collection method: clinical testing. Allele origin: germline.
Comment: Variant summary: MYBPC3 c.3190+5G>A alters a conserved nucleotide located close to a canonical splice site and therefore could affect mRNA splicing, leading to a significantly altered protein sequence. Computational tools predict a significant impact on normal splicing: Two predict the variant abolishes a canonical 5' splicing donor site. One predicts the variant weakens this site. At least one publication reports experimental evidence that this variant affects mRNA splicing, leading to exon 29 skipping (Crehalet_2012). The variant allele was found at a frequency of 1.7e-05 in 238780 control chromosomes (gnomAD). c.3190+5G>A has been reported in the literature in individuals affected with Hypertrophic Cardiomyopathy (Crehalet_2012, Rodrguez-Garca_2010, Zou_2013). These data indicate that the variant is likely to be associated with disease. The following publications have been ascertained in the context of this evaluation (PMID: 20433692, 23283745). ClinVar contains an entry for this variant (Variation ID: 155808). Based on the evidence outlined above, the variant was classified as pathogenic.

All of Us Research Program, National Institutes of Health
Classification: Pathogenic for Hypertrophic cardiomyopathy. Last evaluated: 2024-02-07. Review status: criteria provided, single submitter. Criteria: ACMG Guidelines, 2015. Collection method: clinical testing. Allele origin: germline. Inheritance: Autosomal dominant inheritance. Observed: 6 variant alleles, 6 heterozygotes.
Comment: This variant (also known as IVS29+5G>A) causes a G to A nucleotide substitution at the +5 position of intron 29 of the MYBPC3 gene. Splice site prediction tools predict that this variant may have a significant impact on RNA splicing. Functional RNA studies have reported conflicting results: In a minigene assay, this variant has been shown to alter mRNA splicing by causing exon 29 skipping, which is expected to result in loss of function by premature protein truncation or nonsense-mediated mRNA decay (PMID: 28679633; Crehalet et al., 2012, DOI 10.4081/cardiogenetics.2012.e6). Another study using the RNA sample derived from a carrier individual's peripheral blood cells has shown no abnormal splicing (PMID: 30645170), however, authors did not comment on the possibility of RNA degradation in their assay. This variant has been reported in more than 20 unrelated individuals affected with hypertrophic cardiomyopathy from various populations (PMID: 20433692, 20800588, 23283745, 25351510, 28138913, 28615295, 28679633, 30775854, 31028938, Crehalet et al., 2012, Burns, 2019). It has been shown that this variant segregates with disease in multiple individuals across 4 families (PMID: 20433692, 30645170; communication with an external laboratory; ClinVar SCV000203979.6). This variant has been identified in 4/238780 chromosomes in the general population by the Genome Aggregation Database (gnomAD). Loss of MYBPC3 function is a known mechanism of disease. Based on the available evidence, this variant is classified as Pathogenic.

This study involves interpretation of variants in research participants for the purpose of population health screening. Participant phenotype was not available at the time of variant classification. Additional details can be found in publication PMID: 35346344, PMCID: PMC8962531

CHEO Genetics Diagnostic Laboratory, Children's Hospital of Eastern Ontario
Classification: Likely pathogenic for Cardiomyopathy. Last evaluated: 2023-01-03. Review status: criteria provided, single submitter. Criteria: ACMG Guidelines, 2015. Collection method: clinical testing. Allele origin: germline.

GeneDx
Classification: Pathogenic. Last evaluated: 2022-01-11. Review status: criteria provided, single submitter. Criteria: GeneDx Variant Classification Process June 2021. Collection method: clinical testing. Allele origin: germline. Affected: yes.
Comment: Not observed at a significant frequency in large population cohorts (gnomAD); Functional studies demonstrated that c.3190+5 G>A results in skipping of exon 29, which would encode a truncated protein or result in absent protein via nonsense-mediated decay (Crehalet et al., 2012); Intronic +5 splice site variant in a gene for which loss-of-function is a known mechanism of disease, and splice predictors support a deleterious effect; This variant is associated with the following publications: (PMID: 23283745, 2943217, 31028938, 30847666, 33190526, 20800588, 25351510, 19574547, 30645170, 31006259, 30775854, 33673806, 20433692, 28679633)

Laboratory for Molecular Medicine, Mass General Brigham Personalized Medicine
Classification: Pathogenic for Hypertrophic cardiomyopathy. Last evaluated: 2021-10-27. Review status: criteria provided, single submitter. Criteria: ACMG Guidelines, 2015. Collection method: clinical testing. Allele origin: germline. Inheritance: Autosomal dominant inheritance.
Comment: The c.3190+5G>A variant in MYBPC3 has been identified in at least 15 individuals with hypertrophic cardiomyopathy (HCM) and segregated with disease in 8 affected relatives from 3 families (Rodríguez-García 2010 PMID: 20433692, Crehalet 2012, Zou 2013 PMID: 23283745, Lopes 2015 PMID: 25351510, Singer 2019 PMID: 30645170, Jaaskelainen 2019 PMID: 30775854, ClinVar SCV000188790.4, LMM data). This variant has also been reported by other clinical laboratories in ClinVar (Variation ID# 155808) and has also been identified in 0.002% (2/112442) of European chromosomes by gnomAD. The c.3190+5G>A variant is located in the 5' splice region. Computational tools predict an impact on splicing and in vitro functional studies involving cell-based minigene assays have shown that this variant caused exon 29 skipping, resulting in a truncated protein (Crehalet 2012, Ito 2017 PMID: 28679633). However, studies using patient RNA from fresh blood were unable to corroborate these findings (Singer 2019 PMID: 30645170). In summary, this variant meets criteria to be classified as pathogenic for autosomal dominant HCM. ACMG/AMP Criteria applied: PP1_Strong, PS4_Strong, PM2_Supporting, PP3.

Clinical Genetics Laboratory, Region Ostergotland
Classification: Likely pathogenic for Hypertrophic cardiomyopathy 4. Last evaluated: 2020-07-02. Review status: criteria provided, single submitter. Criteria: ACMG Guidelines, 2015. Collection method: clinical testing. Allele origin: germline. Affected: yes.
Comment: PS4, PP3, PP5

Revvity Omics, Revvity
Classification: Pathogenic. Last evaluated: 2019-12-11. Review status: criteria provided, single submitter. Criteria: ACMG Guidelines, 2015. Collection method: clinical testing. Allele origin: germline.

Fulgent Genetics
Classification: Pathogenic for Hypertrophic cardiomyopathy 4; Left ventricular noncompaction 10. Last evaluated: 2018-10-31. Review status: criteria provided, single submitter. Criteria: ACMG Guidelines, 2015. Collection method: clinical testing. Allele origin: unknown.

Genome Diagnostics Laboratory, University Medical Center Utrecht
Classification: Pathogenic for Hypertrophic cardiomyopathy 4. Last evaluated: 2017-07-28. Review status: criteria provided, single submitter. Criteria: ACGS Guidelines, 2013. Collection method: clinical testing. Allele origin: germline. Affected: yes. Study: VKGL Data-share Consensus.

Centre for Mendelian Genomics, University Medical Centre Ljubljana
Classification: Pathogenic for Asymmetric septal hypertrophy; Dyspnea; Heart block; Hypertrophic cardiomyopathy; Noncompaction cardiomyopathy; Tachycardia; Premature ventricular contraction. Last evaluated: 2017-01-01. Review status: criteria provided, single submitter. Criteria: ACMG Guidelines, 2015. Collection method: clinical testing. Allele origin: unknown. Affected: yes.

Stanford Center for Inherited Cardiovascular Disease, Stanford University
Classification: Likely pathogenic. Last evaluated: 2012-02-17. Review status: criteria provided, single submitter. Criteria: ACMG Guidelines, 2015. Collection method: provider interpretation. Allele origin: germline.

Juno Genomics, Hangzhou Juno Genomics, Inc
Classification: Likely pathogenic for Hypertrophic cardiomyopathy 4. Review status: criteria provided, single submitter. Criteria: ACMG Guidelines, 2015. Collection method: clinical testing. Allele origin: germline.
Comment: Multiple lines of computational evidence support a deleterious effect on the gene or gene product.;The prevalence of the variant in affected individuals is significantly increased compared to the prevalence in controls.;Co-segregation with disease in multiple affected family members.

Clinical Genetics, Academic Medical Center
Classification: Pathogenic. Review status: no assertion criteria provided. Collection method: clinical testing. Allele origin: germline. Affected: yes. Study: VKGL Data-share Consensus. Not counted in ClinVar's aggregate classification.

Literature cited by the submitters: PubMed 20433692 (cited by 8 submitters); PubMed 20800588 (cited by 5 submitters); PubMed 30645170 (cited by 5 submitters); PubMed 30775854 (cited by 4 submitters); PubMed 17576681 (cited by Labcorp Genetics (formerly Invitae), Labcorp); PubMed 9536098 (cited by Labcorp Genetics (formerly Invitae), Labcorp); PubMed 32841044 (cited by Victorian Clinical Genetics Services, Murdoch Childrens Research Institute); PubMed 28679633 (cited by 5 submitters); PubMed 31028938 (cited by 3 submitters); PubMed 23283745 (cited by 5 submitters); PubMed 25351510 (cited by 3 submitters); PubMed 28138913 (cited by Color Diagnostics, LLC DBA Color Health and All of Us Research Program, National Institutes of Health); PubMed 28615295 (cited by Color Diagnostics, LLC DBA Color Health and All of Us Research Program, National Institutes of Health); PubMed 2943217 (cited by Laboratory for Molecular Medicine, Mass General Brigham Personalized Medicine).